The following is an entry in ClinVar:

ClinVar aggregate classification (germline): Likely benign (1 of 4 stars; one submission).

Allele frequency attached by ClinVar (database versions not stated): gnomAD exomes below 0.00001.

Submission:

CeGaT Center for Human Genetics Tuebingen
Classification: Likely benign. Last evaluated: 2022-10-01. Review status: criteria provided, single submitter. Criteria: CeGaT Center For Human Genetics Tuebingen Variant Classification Criteria Version 2. Collection method: clinical testing. Allele origin: germline. Affected: yes. Observed: 1 variant allele.
Comment: PLEKHH3: PM2:Supporting, BP4, BP7

NM_024927.5(PLEKHH3):c.1512G>A (p.Gly504=)

Genes: PLEKHH3 (pleckstrin homology, MyTH4 and FERM domain containing H3; minus strand), LOC130060915 (ATAC-STARR-seq lymphoblastoid active region 12216; plus strand). Cytogenetic location: 17q21.2.
Variant type: single nucleotide variant.
Coding change: c.1512G>A on transcript NM_024927.5 (MANE Select); coding-DNA position 1512, G replaced by A.
Protein change: p.Gly504=; no amino-acid change (glycine 504 retained).
Molecular consequence: synonymous variant. On other transcripts: non-coding transcript variant (2).
Genome position (GRCh38, 1-based): chr17:42,670,615, C>T on the plus strand (G>A on the coding strand, the complement: PLEKHH3 is on the minus strand). VCF-style: chr17-42670615-C-T. GRCh37 (hg19) VCF-style: chr17-40822633-C-T.
Other names: c.1503G>A, p.Gly501= (NM_001411112.1).
Identifiers: ClinVar variation 2647795 (VCV002647795.24), dbSNP rs758348688, ClinGen allele CA500087270.
Genomic context (GRCh38, chr17:42,670,615, plus strand): 5'-AACGCCGGAGAGCCTCACCTGCTCAAAGAGGAAAGGCAGTTCGTGACCGTCTGGGGACAG[C>T]CCCTCAGGGTGCAGAGGTCCGTGAAGACGCAGACATAGTCTCCACCCGGAGTCGGGCGAG-3'
Protein context (NP_079203.4, residues 494-514): LRLHGPLHPE[Gly504=]LSPDGHELPF